The following is an entry in ClinVar:

ClinVar aggregate classification (germline): Pathogenic (1 of 4 stars; one submission).

Conditions:
Fanconi anemia (FA). Also called: Fanconi's anemia. Identifiers: Orphanet 84, MedGen C0015625, MeSH D005199, MONDO:0019391.

Submission:

Labcorp Genetics (formerly Invitae), Labcorp
Classification: Pathogenic for Fanconi anemia. Last evaluated: 2019-12-04. Review status: criteria provided, single submitter. Criteria: Invitae Variant Classification Sherloc (09022015). Collection method: clinical testing. Allele origin: germline.
Comment: This sequence change creates a premature translational stop signal (p.Leu118*) in the FANCC gene. It is expected to result in an absent or disrupted protein product. For these reasons, this variant has been classified as Pathogenic. Loss-of-function variants in FANCC are known to be pathogenic (PMID: 17924555). This variant has not been reported in the literature in individuals with FANCC-related conditions. This variant is not present in population databases (ExAC no frequency).

Literature cited by the submitters: PubMed 17924555.

NM_000136.3(FANCC):c.353T>G (p.Leu118Ter)

Gene: FANCC (FA complementation group C; minus strand). Cytogenetic location: 9q22.32.
Variant type: single nucleotide variant.
Coding change: c.353T>G on transcript NM_000136.3 (MANE Select); coding-DNA position 353, T replaced by G.
Protein change: p.Leu118Ter; replaces leucine 118 with a stop codon.
Molecular consequence: nonsense.
Genome position (GRCh38, 1-based): chr9:95,172,140, A>C on the plus strand (T>G on the coding strand, the complement: FANCC is on the minus strand). VCF-style: chr9-95172140-A-C. GRCh37 (hg19) VCF-style: chr9-97934422-A-C.
Other names: c.353T>G, p.Leu118Ter (NM_001243743.2, NM_001243744.2); short protein forms L118*.
Identifiers: ClinVar variation 850029 (VCV000850029.7), dbSNP rs1825725461, ClinGen allele CA374338908.